The following is an entry in ClinVar:

ClinVar aggregate classification (germline): Uncertain significance (1 of 4 stars; one submission).

Submission:

Labcorp Genetics (formerly Invitae), Labcorp
Classification: Uncertain significance. Last evaluated: 2023-03-08. Review status: criteria provided, single submitter. Criteria: Invitae Variant Classification Sherloc (09022015). Collection method: clinical testing. Allele origin: germline.
Comment: This sequence change replaces aspartic acid, which is acidic and polar, with glycine, which is neutral and non-polar, at codon 78 of the TCF12 protein (p.Asp78Gly). This variant is not present in population databases (gnomAD no frequency). This variant has not been reported in the literature in individuals affected with TCF12-related conditions. Advanced modeling of protein sequence and biophysical properties (such as structural, functional, and spatial information, amino acid conservation, physicochemical variation, residue mobility, and thermodynamic stability) performed at Invitae indicates that this missense variant is not expected to disrupt TCF12 protein function. In summary, the available evidence is currently insufficient to determine the role of this variant in disease. Therefore, it has been classified as a Variant of Uncertain Significance.

NM_207037.2(TCF12):c.233A>G (p.Asp78Gly)

Gene: TCF12 (transcription factor 12; plus strand). Cytogenetic location: 15q21.3.
Variant type: single nucleotide variant.
Coding change: c.233A>G on transcript NM_207037.2 (MANE Select); coding-DNA position 233, A replaced by G.
Protein change: p.Asp78Gly; replaces aspartic acid 78 with glycine.
Molecular consequence: missense variant. On other transcripts: 5 prime UTR variant (1).
Genome position (GRCh38, 1-based): chr15:57,091,799, A>G. VCF-style: chr15-57091799-A-G. GRCh37 (hg19) VCF-style: chr15-57383997-A-G.
Other names: c.233A>G, p.Asp78Gly (NM_001322151.2, NM_001322152.2, NM_001322157.3 and 7 more transcripts); c.-420A>G (NM_001322154.2); c.59A>G, p.Asp20Gly (NM_001322156.2, NM_001322158.2); c.269A>G, p.Asp90Gly (NM_001322164.2); short protein forms D20G, D78G, D90G.
Identifiers: ClinVar variation 2843625 (VCV002843625.3), dbSNP rs2551084193, ClinGen allele CA392787606.